The following is an entry in ClinVar:

ClinVar aggregate classification (germline): Pathogenic (1 of 4 stars; one submission).

Submission:

Labcorp Genetics (formerly Invitae), Labcorp
Classification: Pathogenic. Last evaluated: 2025-12-01. Review status: criteria provided, single submitter. Criteria: Invitae Variant Classification Sherloc (09022015). Collection method: clinical testing. Allele origin: germline.
Comment: This sequence change creates a premature translational stop signal (p.Ala11Glnfs*81) in the RELA gene. It is expected to result in an absent or disrupted protein product. Loss-of-function variants in RELA are known to be pathogenic (PMID: 28600438). This variant is not present in population databases (gnomAD no frequency). This variant has not been reported in the literature in individuals affected with RELA-related conditions. For these reasons, this variant has been classified as Pathogenic.

Literature cited by the submitters: PubMed 28600438.

NM_021975.4(RELA):c.31del (p.Ala11fs)

Gene: RELA (RELA proto-oncogene, NF-kB subunit; minus strand). Cytogenetic location: 11q13.1.
Variant type: Deletion.
Coding change: c.31del on transcript NM_021975.4 (MANE Select); coding-DNA position 31, one base deleted (G; older notation c.31delG).
Protein change: p.Ala11fs; shifts the reading frame from alanine 11.
Molecular consequence: frameshift variant. On other transcripts: 5 prime UTR variant (3), intron variant (1).
Genome position (GRCh38, 1-based): chr11:65,662,182, C deleted on the plus strand (G on the coding strand, the reverse complement: RELA is on the minus strand); the first of 2 consecutive C bases (chr11:65,662,182-65,662,183); deleting either gives the same sequence. VCF-style (leftmost placement, unchanged base first): chr11-65662181-GC-G. GRCh37 (hg19) VCF-style: chr11-65429652-GC-G.
Other names: c.31del, p.Ala11fs (NM_001145138.2, NM_001243984.2, NM_001243985.2 and 3 more transcripts); c.-259del (NM_001404661.1); c.-63del (NM_001404662.1, NM_001404663.1); c.8-94del (NM_001404658.1); short protein forms A11fs.
Identifiers: ClinVar variation 4731955 (VCV004731955.1).